The following is an entry in ClinVar:

ClinVar aggregate classification (germline): Uncertain significance (1 of 4 stars; one submission).

Allele frequency attached by ClinVar (database versions not stated): TOPMed below 0.00001; gnomAD exomes 0.00001; gnomAD 0.00002.
gnomAD v4.1: 11 of 1,614,070 alleles (0.00068%); highest among the groups gnomAD compares: African/African-American, 0.004%; no homozygotes.

Submission:

Labcorp Genetics (formerly Invitae), Labcorp
Classification: Uncertain significance. Last evaluated: 2024-01-15. Review status: criteria provided, single submitter. Criteria: Invitae Variant Classification Sherloc (09022015). Collection method: clinical testing. Allele origin: germline.
Comment: This sequence change replaces isoleucine, which is neutral and non-polar, with threonine, which is neutral and polar, at codon 1238 of the VPS13D protein (p.Ile1238Thr). The frequency data for this variant in the population databases is considered unreliable, as metrics indicate poor data quality at this position in the gnomAD database. This variant has not been reported in the literature in individuals affected with VPS13D-related conditions. ClinVar contains an entry for this variant (Variation ID: 1969503). Advanced modeling of protein sequence and biophysical properties (such as structural, functional, and spatial information, amino acid conservation, physicochemical variation, residue mobility, and thermodynamic stability) performed at Invitae indicates that this missense variant is expected to disrupt VPS13D protein function with a positive predictive value of 80%. In summary, the available evidence is currently insufficient to determine the role of this variant in disease. Therefore, it has been classified as a Variant of Uncertain Significance.

NM_015378.4(VPS13D):c.3713T>C (p.Ile1238Thr)

Gene: VPS13D (vacuolar protein sorting 13 homolog D; plus strand). Cytogenetic location: 1p36.22.
Variant type: single nucleotide variant.
Coding change: c.3713T>C on transcript NM_015378.4 (MANE Select); coding-DNA position 3713, T replaced by C.
Protein change: p.Ile1238Thr; replaces isoleucine 1238 with threonine.
Molecular consequence: missense variant.
Genome position (GRCh38, 1-based): chr1:12,277,301, T>C. VCF-style: chr1-12277301-T-C. GRCh37 (hg19) VCF-style: chr1-12337358-T-C.
Other names: c.3713T>C, p.Ile1238Thr (NM_018156.4); short protein forms I1238T.
Identifiers: ClinVar variation 1969503 (VCV001969503.5), dbSNP rs1360677717, ClinGen allele CA338476385.